The following is an entry in ClinVar:

NM_018426.3(TMEM63B):c.819_822del (p.Pro274fs)

Gene: TMEM63B (transmembrane protein 63B; plus strand). Cytogenetic location: 6p21.1.
Variant type: Microsatellite.
Coding change: c.819_822del on transcript NM_018426.3 (MANE Select); coding-DNA positions 819 to 822, 4 bases deleted (CCCG; older notation c.819_822delCCCG).
Protein change: p.Pro274fs; shifts the reading frame from proline 274.
Molecular consequence: frameshift variant.
Genome position (GRCh38, 1-based): chr6:44,146,883-44,146,886, CCCG deleted; deleting any 4 consecutive bases within chr6:44,146,878-44,146,886 gives the same sequence; the c. name uses the placement nearest the transcript's 3' end. VCF-style (leftmost placement, unchanged base first): chr6-44146877-AGCCC-A. GRCh37 (hg19) VCF-style: chr6-44114614-AGCCC-A.
Other names: c.819_822del, p.Pro274fs (NM_001318792.1); short protein forms P274fs.
Identifiers: ClinVar variation 5009916 (VCV005009916.1).

ClinVar aggregate classification (germline): Uncertain significance (1 of 4 stars; one submission).

Submission:

GeneDx
Classification: Uncertain significance. Last evaluated: 2026-02-14. Review status: criteria provided, single submitter. Criteria: GeneDx Variant Classification Process June 2021. Collection method: clinical testing. Allele origin: germline.
Comment: Frameshift variant predicted to result in protein truncation or nonsense mediated decay in a gene or region of a gene for which loss of function is not a well-established mechanism of disease; Not observed at significant frequency in large population cohorts (gnomAD); Has not been previously published as pathogenic or benign to our knowledge